The following is an entry in ClinVar:

ClinVar aggregate classification (germline): Benign/Likely benign. Review status: criteria provided, multiple submitters, no conflicts (2 of 4 stars). 2 submissions from 2 submitters: Benign (1); Likely benign (1). Last evaluated 2025-03-27.

Conditions:
Peutz-Jeghers syndrome (PJS). Also called: POLYPOSIS, HAMARTOMATOUS INTESTINAL; POLYPS-AND-SPOTS SYNDROME; Peutz-Jeghers polyposis; Periorificial lentiginosis syndrome. Identifiers: Orphanet 2869, MedGen C0031269, MeSH D010580, MONDO:0008280, OMIM 175200.

Submissions (2):

Myriad Genetics, Inc.
Classification: Benign for Peutz-Jeghers syndrome. Last evaluated: 2025-03-27. Review status: criteria provided, single submitter. Criteria: Myriad Autosomal Dominant, Autosomal Recessive and X-Linked Classification Criteria (2023). Collection method: clinical testing. Allele origin: unknown.
Comment: This variant is considered benign. This variant is a silent/synonymous amino acid change and it is not expected to impact splicing.

Labcorp Genetics (formerly Invitae), Labcorp
Classification: Likely benign for Peutz-Jeghers syndrome. Last evaluated: 2022-07-19. Review status: criteria provided, single submitter. Criteria: Invitae Variant Classification Sherloc (09022015). Collection method: clinical testing. Allele origin: germline.

NM_000455.5(STK11):c.729C>A (p.Val243=)

Gene: STK11 (serine/threonine kinase 11; plus strand). Cytogenetic location: 19p13.3.
Variant type: single nucleotide variant.
Coding change: c.729C>A on transcript NM_000455.5 (MANE Select); coding-DNA position 729, C replaced by A.
Protein change: p.Val243=; no amino-acid change (valine 243 retained).
Molecular consequence: synonymous variant.
Genome position (GRCh38, 1-based): chr19:1,220,712, C>A. VCF-style: chr19-1220712-C-A. GRCh37 (hg19) VCF-style: chr19-1220711-C-A.
Identifiers: ClinVar variation 1131973 (VCV001131973.11), dbSNP rs2145425531, ClinGen allele CA504892294.
Genomic context (GRCh38, chr19:1,220,712, plus strand): 5'-GATTGCCAACGGCCTGGACACCTTCTCCGGCTTCAAGGTGGACATCTGGTCGGCTGGGGT[C>A]ACCCTGTAAGTGCCCCGCCCCCCCGGGCACTCACCACACGCACACTCCGAGGGGCCTCTG-3'
Protein context (NP_000446.1, residues 233-253): GFKVDIWSAG[Val243=]TLYNITTGLY